The following is an entry in ClinVar:

ClinVar aggregate classification (germline): Likely benign. Review status: criteria provided, multiple submitters, no conflicts (2 of 4 stars). 2 submissions from 2 submitters: Likely benign (2). Last evaluated 2025-12-16.

gnomAD v4.1: 21 of 1,613,984 alleles (0.0013%); highest among the groups gnomAD compares: Non-Finnish European, 0.0017%; no homozygotes.

Submissions (2):

Labcorp Genetics (formerly Invitae), Labcorp
Classification: Likely benign. Last evaluated: 2025-12-16. Review status: criteria provided, single submitter. Criteria: Invitae Variant Classification Sherloc (09022015). Collection method: clinical testing. Allele origin: germline.

CeGaT Center for Human Genetics Tuebingen
Classification: Likely benign. Last evaluated: 2025-01-01. Review status: criteria provided, single submitter. Criteria: CeGaT Center For Human Genetics Tuebingen Variant Classification Criteria Version 2. Collection method: clinical testing. Allele origin: germline. Affected: yes. Observed: 1 variant allele.
Comment: ANK1: BP4, BP7

NM_000037.4(ANK1):c.3666T>C (p.Ala1222=)

Gene: ANK1 (ankyrin 1; minus strand). Cytogenetic location: 8p11.21.
Variant type: single nucleotide variant.
Coding change: c.3666T>C on transcript NM_000037.4 (MANE Select); coding-DNA position 3666, T replaced by C.
Protein change: p.Ala1222=; no amino-acid change (alanine 1222 retained).
Molecular consequence: synonymous variant.
Genome position (GRCh38, 1-based): chr8:41,692,840, A>G on the plus strand (T>C on the coding strand, the complement: ANK1 is on the minus strand). VCF-style: chr8-41692840-A-G. GRCh37 (hg19) VCF-style: chr8-41550358-A-G.
Other names: c.3789T>C, p.Ala1263= (NM_001142446.2); c.3666T>C, p.Ala1222= (NM_020475.3, NM_020476.3, NM_020477.3).
Identifiers: ClinVar variation 3771260 (VCV003771260.14).